The following is an entry in ClinVar:

ClinVar aggregate classification (germline): Benign (0 of 4 stars; one submission).

Conditions:
DAO-related disorder. Also called: DAO-related condition.

Allele frequency attached by ClinVar (database versions not stated): TOPMed 0.00032; ESP Exome Variant Server 0.00046; 1000 Genomes Project 30x 0.00187; gnomAD exomes 0.00223; 1000 Genomes Project 0.00240; ExAC 0.00451; gnomAD 0.00458.
gnomAD v4.1: 3,921 of 1,612,742 alleles (0.24%); highest among the groups gnomAD compares: Non-Finnish European, 0.033%; 80 homozygotes.

Submission:

PreventionGenetics, part of Exact Sciences
Classification: Benign for DAO-related condition. Last evaluated: 2020-02-17. Review status: no assertion criteria provided. Collection method: clinical testing. Allele origin: germline.
Comment: This variant is classified as benign based on ACMG/AMP sequence variant interpretation guidelines (Richards et al. 2015 PMID: 25741868, with internal and published modifications).

NM_001917.5(DAO):c.508-6T>C

Gene: DAO (D-amino acid oxidase; plus strand). Cytogenetic location: 12q24.11.
Variant type: single nucleotide variant.
Coding change: c.508-6T>C on transcript NM_001917.5 (MANE Select); 6 bases into the intron before coding-DNA position 508, T replaced by C.
Molecular consequence: intron variant.
Genome position (GRCh38, 1-based): chr12:108,894,257, T>C. VCF-style: chr12-108894257-T-C. GRCh37 (hg19) VCF-style: chr12-109288033-T-C.
Other names: c.508-6T>C (NM_001413634.1, NM_001413635.1).
Identifiers: ClinVar variation 3052194 (VCV003052194.2), dbSNP rs192312168, ClinGen allele CA6771134.
Genomic context (GRCh38, chr12:108,894,257, plus strand): 5'-AGAGAACAGGGAATACCAGGGTCTTCCCCACCTTTCATCCCCCACTACCCTGTTGGTTGC[T>C]ACCAGGTGGCAAGAGAAGGCGCAGACGTGATTGTCAACTGCACTGGGGTATGGGCTGGGG-3'